The following is an entry in ClinVar:

ClinVar aggregate classification (germline): Uncertain significance. Review status: criteria provided, multiple submitters, no conflicts (2 of 4 stars). 5 submissions from 5 submitters: Uncertain significance (5). Last evaluated 2025-05-27.

Conditions:
Fanconi anemia (FA). Also called: Fanconi's anemia. Identifiers: Orphanet 84, MedGen C0015625, MeSH D005199, MONDO:0019391.
Spermatogenic failure 28. Identifiers: MedGen C4748117, MONDO:0054732, OMIM 618086.
Premature ovarian failure 15. Identifiers: MedGen C4748170, MONDO:0054862, OMIM 618096.
Inborn genetic diseases. Identifiers: MedGen C0950123, MeSH D030342.

Allele frequency attached by ClinVar (database versions not stated): TOPMed below 0.00001; gnomAD 0.00001 and 0.00002; gnomAD exomes 0.00002; ExAC 0.00003; 1000 Genomes Project 30x 0.00016; 1000 Genomes Project 0.00020.
gnomAD v4.1: 36 of 1,603,716 alleles (0.0022%); highest among the groups gnomAD compares: East Asian, 0.058%; 1 homozygote.

Submissions (5):

Labcorp Genetics (formerly Invitae), Labcorp
Classification: Uncertain significance for Fanconi anemia. Last evaluated: 2025-05-27. Review status: criteria provided, single submitter. Criteria: Invitae Variant Classification Sherloc (09022015). Collection method: clinical testing. Allele origin: germline.
Comment: This sequence change replaces aspartic acid, which is acidic and polar, with glycine, which is neutral and non-polar, at codon 1522 of the FANCM protein (p.Asp1522Gly). This variant is present in population databases (rs199514189, gnomAD 0.01%). This variant has not been reported in the literature in individuals affected with FANCM-related conditions. ClinVar contains an entry for this variant (Variation ID: 807111). An algorithm developed to predict the effect of missense changes on protein structure and function outputs the following: PolyPhen-2: "Benign". The glycine amino acid residue is found in multiple mammalian species, which suggests that this missense change does not adversely affect protein function. In summary, the available evidence is currently insufficient to determine the role of this variant in disease. Therefore, it has been classified as a Variant of Uncertain Significance.

Ambry Genetics
Classification: Uncertain significance for Inborn genetic diseases. Last evaluated: 2025-01-22. Review status: criteria provided, single submitter. Criteria: Ambry Variant Classification Scheme 2023. Collection method: clinical testing. Allele origin: germline.
Comment: The p.D1522G variant (also known as c.4565A>G), located in coding exon 18 of the FANCM gene, results from an A to G substitution at nucleotide position 4565. The aspartic acid at codon 1522 is replaced by glycine, an amino acid with similar properties. This amino acid position is conserved. In addition, this alteration is predicted to be tolerated by in silico analysis. Based on the available evidence, the clinical significance of this variant remains unclear.

GeneDx
Classification: Uncertain significance. Last evaluated: 2023-07-20. Review status: criteria provided, single submitter. Criteria: GeneDx Variant Classification Process June 2021. Collection method: clinical testing. Allele origin: germline. Affected: yes.
Comment: In silico analysis supports that this missense variant has a deleterious effect on protein structure/function; Has not been previously published as pathogenic or benign to our knowledge

Fulgent Genetics
Classification: Uncertain significance for Spermatogenic failure 28; Premature ovarian failure 15. Last evaluated: 2021-12-20. Review status: criteria provided, single submitter. Criteria: ACMG Guidelines, 2015. Collection method: clinical testing. Allele origin: unknown.

CeGaT Center for Human Genetics Tuebingen
Classification: Uncertain significance. Last evaluated: 2018-07-01. Review status: criteria provided, single submitter. Criteria: CeGaT Center For Human Genetics Tuebingen Variant Classification Criteria Version 2. Collection method: clinical testing. Allele origin: germline. Affected: yes. Observed: 1 variant allele.

NM_020937.4(FANCM):c.4565A>G (p.Asp1522Gly)

Gene: FANCM (FA complementation group M; plus strand). Cytogenetic location: 14q21.2.
Variant type: single nucleotide variant.
Coding change: c.4565A>G on transcript NM_020937.4 (MANE Select); coding-DNA position 4565, A replaced by G.
Protein change: p.Asp1522Gly; replaces aspartic acid 1522 with glycine.
Molecular consequence: missense variant.
Genome position (GRCh38, 1-based): chr14:45,185,266, A>G. VCF-style: chr14-45185266-A-G. GRCh37 (hg19) VCF-style: chr14-45654469-A-G.
Other names: c.4487A>G, p.Asp1496Gly (NM_001308133.2); short protein forms D1496G, D1522G.
Identifiers: ClinVar variation 807111 (VCV000807111.53), dbSNP rs199514189, ClinGen allele CA7169793.